The following is an entry in ClinVar:

NM_032409.3(PINK1):c.124C>T (p.Arg42Cys)

Gene: PINK1 (PTEN induced kinase 1; plus strand). Cytogenetic location: 1p36.12.
Variant type: single nucleotide variant.
Coding change: c.124C>T on transcript NM_032409.3 (MANE Select); coding-DNA position 124, C replaced by T.
Protein change: p.Arg42Cys; replaces arginine 42 with cysteine.
Molecular consequence: missense variant.
Genome position (GRCh38, 1-based): chr1:20,633,672, C>T. VCF-style: chr1-20633672-C-T. GRCh37 (hg19) VCF-style: chr1-20960165-C-T.
Other names: short protein forms R42C.
Identifiers: ClinVar variation 939290 (VCV000939290.10), dbSNP rs1255530845, ClinGen allele CA338853561.

ClinVar aggregate classification (germline): Uncertain significance (1 of 4 stars; one submission).

Conditions:
Autosomal recessive early-onset Parkinson disease 6 (PARK6). Also called: PINK1-Related Parkinson Disease; PARKINSON DISEASE 6, MODIFIER OF; PINK1 Type of Young-Onset Parkinson Disease; PARKINSON DISEASE 6, EARLY-ONSET. Identifiers: Orphanet 2828, MedGen C1853833, MONDO:0011613, OMIM 605909.

Allele frequency attached by ClinVar (database versions not stated): gnomAD exomes below 0.00001; gnomAD 0.00001; TOPMed 0.00001.
gnomAD v4.1: 5 of 1,385,230 alleles (0.00036%); highest among the groups gnomAD compares: Non-Finnish European, 0.00046%; no homozygotes.

Submission:

Labcorp Genetics (formerly Invitae), Labcorp
Classification: Uncertain significance for Autosomal recessive early-onset Parkinson disease 6. Last evaluated: 2019-07-10. Review status: criteria provided, single submitter. Criteria: Invitae Variant Classification Sherloc (09022015). Collection method: clinical testing. Allele origin: germline.
Comment: In summary, the available evidence is currently insufficient to determine the role of this variant in disease. Therefore, it has been classified as a Variant of Uncertain Significance. Algorithms developed to predict the effect of missense changes on protein structure and function are either unavailable or do not agree on the potential impact of this missense change (SIFT: "Deleterious"; PolyPhen-2: "Possibly Damaging"; Align-GVGD: "Class C0"). This variant has not been reported in the literature in individuals with PINK1-related conditions. The frequency data for this variant in the population databases is considered unreliable, as metrics indicate insufficient coverage at this position in the ExAC database. This sequence change replaces arginine with cysteine at codon 42 of the PINK1 protein (p.Arg42Cys). The arginine residue is moderately conserved and there is a large physicochemical difference between arginine and cysteine.